The following is an entry in ClinVar:

ClinVar aggregate classification (germline): Pathogenic (1 of 4 stars; one submission).

Allele frequency attached by ClinVar (database versions not stated): TOPMed below 0.00001; ExAC 0.00001; gnomAD exomes 0.00001.
gnomAD v4.1: 9 of 1,611,530 alleles (0.00056%); highest among the groups gnomAD compares: South Asian, 0.0011%; no homozygotes.

Submission:

Labcorp Genetics (formerly Invitae), Labcorp
Classification: Pathogenic. Last evaluated: 2024-04-14. Review status: criteria provided, single submitter. Criteria: Invitae Variant Classification Sherloc (09022015). Collection method: clinical testing. Allele origin: germline.
Comment: This sequence change creates a premature translational stop signal (p.Tyr403*) in the FERMT1 gene. It is expected to result in an absent or disrupted protein product. Loss-of-function variants in FERMT1 are known to be pathogenic (PMID: 14962093, 21936020). This variant is present in population databases (rs761341202, gnomAD 0.003%). This premature translational stop signal has been observed in individuals with Kindler syndrome (PMID: 19762715, 21936020, 29453417). ClinVar contains an entry for this variant (Variation ID: 2138331). Algorithms developed to predict the effect of sequence changes on RNA splicing suggest that this variant may disrupt the consensus splice site. For these reasons, this variant has been classified as Pathogenic.

Literature cited by the submitters: PubMed 14962093; PubMed 21936020; PubMed 19762715; PubMed 29453417.

NM_017671.5(FERMT1):c.1209C>G (p.Tyr403Ter)

Gene: FERMT1 (FERM domain containing kindlin 1; minus strand). Cytogenetic location: 20p12.3.
Variant type: single nucleotide variant.
Coding change: c.1209C>G on transcript NM_017671.5 (MANE Select); coding-DNA position 1209, C replaced by G.
Protein change: p.Tyr403Ter; replaces tyrosine 403 with a stop codon.
Molecular consequence: nonsense.
Genome position (GRCh38, 1-based): chr20:6,089,020, G>C on the plus strand (C>G on the coding strand, the complement: FERMT1 is on the minus strand). VCF-style: chr20-6089020-G-C. GRCh37 (hg19) VCF-style: chr20-6069667-G-C.
Other names: short protein forms Y403*.
Identifiers: ClinVar variation 2138331 (VCV002138331.4), dbSNP rs761341202, ClinGen allele CA9758215.